The following is an entry in ClinVar:

ClinVar aggregate classification (germline): Uncertain significance. Review status: criteria provided, single submitter (1 of 4 stars). 2 submissions from 2 submitters: Uncertain significance (1). 1 of the submissions does not count toward it. Last evaluated 2017-04-28.

Conditions:
Xeroderma pigmentosum, group D (XPD). Also called: ERCC2-Related Xeroderma Pigmentosum; XP, GROUP H; XERODERMA PIGMENTOSUM IV; XP, GROUP D; XERODERMA PIGMENTOSUM, COMPLEMENTATION GROUP D. Identifiers: MedGen C0268138, MONDO:0010212, OMIM 278730.

Allele frequency attached by ClinVar (database versions not stated): gnomAD 0.00001; TOPMed 0.00001.
gnomAD v4.1: 20 of 1,613,838 alleles (0.0012%); highest among the groups gnomAD compares: South Asian, 0.011%; no homozygotes.

Submissions (2):

Illumina Laboratory Services, Illumina
Classification: Uncertain significance for Xeroderma pigmentosum, group D. Last evaluated: 2017-04-28. Review status: criteria provided, single submitter. Criteria: ICSL Variant Classification Criteria 13 December 2019. Collection method: clinical testing. Allele origin: germline.
Comment: This variant was observed as part of a predisposition screen in an ostensibly healthy population. A literature search was performed for the gene, cDNA change, and amino acid change (where applicable). Publications were found based on this search. However, the evidence from the literature, in combination with allele frequency data from public databases where available, was not sufficient to rule this variant in or out of causing disease. Therefore, this variant is classified as a variant of unknown significance.

ITMI
No classification provided. Condition: AllHighlyPenetrant. Last evaluated: 2013-09-19. Review status: no classification provided. Collection method: reference population. Allele origin: germline. Not counted in ClinVar's aggregate classification.
Comment: Please see associated publication for description of ethnicities

Literature cited by the submitters: PubMed 27085493 (cited by Illumina Laboratory Services, Illumina); PubMed 24728327 (cited by ITMI).

NM_000400.4(ERCC2):c.2231T>C (p.Leu744Pro)

Gene: ERCC2 (ERCC excision repair 2, TFIIH core complex helicase subunit; minus strand). Cytogenetic location: 19q13.32.
Variant type: single nucleotide variant.
Coding change: c.2231T>C on transcript NM_000400.4 (MANE Select); coding-DNA position 2231, T replaced by C.
Protein change: p.Leu744Pro; replaces leucine 744 with proline.
Molecular consequence: missense variant.
Genome position (GRCh38, 1-based): chr19:45,351,681, A>G on the plus strand (T>C on the coding strand, the complement: ERCC2 is on the minus strand). VCF-style: chr19-45351681-A-G. GRCh37 (hg19) VCF-style: chr19-45854939-A-G.
Other names: short protein forms L744P.
Identifiers: ClinVar variation 134107 (VCV000134107.5), dbSNP rs201370106, ClinGen allele CA158788.